The following is an entry in ClinVar:

NM_001042492.3(NF1):c.1839_1844del (p.Asn614_Lys615del)

Gene: NF1 (neurofibromin 1; plus strand). Cytogenetic location: 17q11.2.
Variant type: Deletion.
Coding change: c.1839_1844del on transcript NM_001042492.3 (MANE Select); coding-DNA positions 1839 to 1844, 6 bases deleted (AAATAA; older notation c.1839_1844delAAATAA).
Protein change: p.Asn614_Lys615del.
Molecular consequence: inframe deletion. On other transcripts: inframe indel (1).
Genome position (GRCh38, 1-based): chr17:31,223,561-31,223,566, AAATAA deleted; deleting any 6 consecutive bases within chr17:31,223,558-31,223,566 gives the same sequence; the c. name uses the placement nearest the transcript's 3' end. VCF-style (leftmost placement, unchanged base first): chr17-31223557-TTAAAAA-T. GRCh37 (hg19) VCF-style: chr17-29550575-TTAAAAA-T.
Other names: c.1839_1844delAAATAA (NM_000267.3); c.1839_1844delAAATAA, p.Asn614_Lys615del (NM_000267.4).
Identifiers: ClinVar variation 666067 (VCV000666067.8), dbSNP rs1597708816, ClinGen allele CA915949741.

ClinVar aggregate classification (germline): Uncertain significance. Review status: criteria provided, multiple submitters, no conflicts (2 of 4 stars). 2 submissions from 2 submitters: Uncertain significance (2). Last evaluated 2023-09-18.

Conditions:
Hereditary cancer-predisposing syndrome. Also called: Neoplastic Syndromes, Hereditary; Hereditary neoplastic syndrome; Tumor predisposition; Hereditary Cancer Syndrome. Identifiers: Orphanet 140162, MedGen C0027672, MeSH D009386, MONDO:0015356.
Cardiovascular phenotype. Identifiers: MedGen CN230736.
Neurofibromatosis, type 1 (NF1). Also called: VON RECKLINGHAUSEN DISEASE; NEUROFIBROMATOSIS, TYPE I, SOMATIC; Peripheral type neurofibromatosis; Neurofibromatosis, type I. Identifiers: Orphanet 636, MedGen C0027831, MONDO:0018975, OMIM 162200. Disease mechanism: loss of function.

Submissions (2):

Ambry Genetics
Classification: Uncertain significance for Cardiovascular phenotype; Hereditary cancer-predisposing syndrome. Last evaluated: 2023-09-18. Review status: criteria provided, single submitter. Criteria: Ambry Variant Classification Scheme 2023. Collection method: clinical testing. Allele origin: germline.
Comment: The c.1839_1844delAAATAA variant (also known as p.N614_K615del) is located in coding exon 16 of the NF1 gene. This variant results from an in-frame AAATAA deletion at nucleotide positions 1839 to 1844. This results in the in-frame deletion of a at codon 614. This amino acid region is highly conserved in available vertebrate species. In addition, the in silico prediction for this alteration is inconclusive (Choi Y et al. PLoS ONE. 2012; 7(10):e46688). Since supporting evidence is limited at this time, the clinical significance of this alteration remains unclear.

Labcorp Genetics (formerly Invitae), Labcorp
Classification: Uncertain significance for Neurofibromatosis, type 1. Last evaluated: 2022-02-19. Review status: criteria provided, single submitter. Criteria: Invitae Variant Classification Sherloc (09022015). Collection method: clinical testing. Allele origin: germline.
Comment: In summary, the available evidence is currently insufficient to determine the role of this variant in disease. Therefore, it has been classified as a Variant of Uncertain Significance. This variant, c.1839_1844del, results in the deletion of 2 amino acid(s) of the NF1 protein (p.Asn614_Lys615del), but otherwise preserves the integrity of the reading frame. Algorithms developed to predict the effect of sequence changes on RNA splicing suggest that this variant may create or strengthen a splice site. Experimental studies and prediction algorithms are not available or were not evaluated, and the functional significance of this variant is currently unknown. ClinVar contains an entry for this variant (Variation ID: 666067). This variant has not been reported in the literature in individuals affected with NF1-related conditions. This variant is not present in population databases (gnomAD no frequency).